The following is an entry in ClinVar:

ClinVar aggregate classification (germline): Pathogenic (1 of 4 stars; one submission).

Conditions:
Nager syndrome (AFD1). Also called: Acrofacial Dysostosis 1, Nager Type; Nager acrofacial dysostosis; MANDIBULOFACIAL DYSOSTOSIS, TREACHER COLLINS TYPE, WITH LIMB ANOMALIES; Nager acrofacial dysostosis syndrome. Identifiers: Orphanet 245, MedGen C0265245, MONDO:0007943, OMIM 154400.

Allele frequency attached by ClinVar (database versions not stated): gnomAD exomes below 0.00001.
gnomAD v4.1: 1 of 1,614,182 alleles (0.000062%); highest among the groups gnomAD compares: Non-Finnish European, 0.000085%; no homozygotes.

Submission:

Institute of Human Genetics, University of Leipzig Medical Center
Classification: Pathogenic for Nager syndrome. Last evaluated: 2023-01-16. Review status: criteria provided, single submitter. Criteria: ACMG Guidelines, 2015. Collection method: clinical testing. Allele origin: de novo. Affected: yes.
Comment: This variant was identified as de novo (maternity and paternity confirmed)._x000D_ Criteria applied: PVS1, PS2, PS3, PS4_SUP, PM2_SUP

NM_005850.5(SF3B4):c.417C>T (p.Gly139=)

Gene: SF3B4 (splicing factor 3b subunit 4; minus strand). Cytogenetic location: 1q21.2.
Variant type: single nucleotide variant.
Coding change: c.417C>T on transcript NM_005850.5 (MANE Select); coding-DNA position 417, C replaced by T.
Protein change: p.Gly139=; no amino-acid change (glycine 139 retained).
Molecular consequence: synonymous variant.
Genome position (GRCh38, 1-based): chr1:149,926,665, G>A on the plus strand (C>T on the coding strand, the complement: SF3B4 is on the minus strand). VCF-style: chr1-149926665-G-A. GRCh37 (hg19) VCF-style: chr1-149898557-G-A.
Identifiers: ClinVar variation 2430267 (VCV002430267.2), dbSNP rs2525123241, ClinGen allele CA420892319.